The following is an entry in ClinVar:

ClinVar aggregate classification (germline): Uncertain significance (1 of 4 stars; one submission).

Conditions:
Mitochondrial complex II deficiency, nuclear type 1. Also called: SUCCINATE CoQ REDUCTASE DEFICIENCY. Identifiers: Orphanet 3208, MedGen C5700310, MONDO:0100294, OMIM 252011.
Pheochromocytoma/paraganglioma syndrome 5. Also called: Paragangliomas 5; SDHA-Related Hereditary Paraganglioma-Pheochromocytoma Syndrome. Identifiers: Orphanet 29072, MedGen C3279992, MONDO:0013602, OMIM 614165.

Submission:

Labcorp Genetics (formerly Invitae), Labcorp
Classification: Uncertain significance for Pheochromocytoma/paraganglioma syndrome 5; Mitochondrial complex II deficiency, nuclear type 1. Last evaluated: 2026-01-20. Review status: criteria provided, single submitter. Criteria: Invitae Variant Classification Sherloc (09022015). Collection method: clinical testing. Allele origin: germline.
Comment: This sequence change replaces alanine, which is neutral and non-polar, with glutamic acid, which is acidic and polar, at codon 283 of the SDHA protein (p.Ala283Glu). This variant is not present in population databases (gnomAD no frequency). This variant has not been reported in the literature in individuals affected with SDHA-related conditions. Invitae Evidence Modeling of protein sequence and biophysical properties (such as structural, functional, and spatial information, amino acid conservation, physicochemical variation, residue mobility, and thermodynamic stability) has been performed for this missense variant. However, the output from this modeling did not meet the statistical confidence thresholds required to predict the impact of this variant on SDHA protein function. In summary, the available evidence is currently insufficient to determine the role of this variant in disease. Therefore, it has been classified as a Variant of Uncertain Significance.

NM_004168.4(SDHA):c.848C>A (p.Ala283Glu)

Gene: SDHA (succinate dehydrogenase complex flavoprotein subunit A; plus strand). Cytogenetic location: 5p15.33.
Variant type: single nucleotide variant.
Coding change: c.848C>A on transcript NM_004168.4 (MANE Select); coding-DNA position 848, C replaced by A.
Protein change: p.Ala283Glu; replaces alanine 283 with glutamic acid.
Molecular consequence: missense variant.
Genome position (GRCh38, 1-based): chr5:230,953, C>A. VCF-style: chr5-230953-C-A. GRCh37 (hg19) VCF-style: chr5-231068-C-A.
Other names: c.704C>A, p.Ala235Glu (NM_001294332.2); c.848C>A, p.Ala283Glu (NM_001330758.2); short protein forms A235E, A283E.
Identifiers: ClinVar variation 4793997 (VCV004793997.1).